The following is an entry in ClinVar:

NM_003835.4(RGS9):c.589A>G (p.Met197Val)

Gene: RGS9 (regulator of G protein signaling 9; plus strand). Cytogenetic location: 17q24.1.
Variant type: single nucleotide variant.
Coding change: c.589A>G on transcript NM_003835.4 (MANE Select); coding-DNA position 589, A replaced by G.
Protein change: p.Met197Val; replaces methionine 197 with valine.
Molecular consequence: missense variant.
Genome position (GRCh38, 1-based): chr17:65,177,738, A>G. VCF-style: chr17-65177738-A-G. GRCh37 (hg19) VCF-style: chr17-63173856-A-G.
Other names: c.589A>G, p.Met197Val (NM_001081955.3, NM_001165933.2); short protein forms M197V.
Identifiers: ClinVar variation 1016345 (VCV001016345.8), dbSNP rs1911701678, ClinGen allele CA400660800.

ClinVar aggregate classification (germline): Uncertain significance (1 of 4 stars; one submission).

Submission:

Labcorp Genetics (formerly Invitae), Labcorp
Classification: Uncertain significance. Last evaluated: 2020-04-11. Review status: criteria provided, single submitter. Criteria: Invitae Variant Classification Sherloc (09022015). Collection method: clinical testing. Allele origin: germline.
Comment: This sequence change replaces methionine with valine at codon 197 of the RGS9 protein (p.Met197Val). The methionine residue is weakly conserved and there is a small physicochemical difference between methionine and valine. This variant is not present in population databases (ExAC no frequency). This variant has not been reported in the literature in individuals with RGS9-related conditions. Algorithms developed to predict the effect of missense changes on protein structure and function output the following: SIFT: "Tolerated"; PolyPhen-2: "Benign"; Align-GVGD: "Class C0". The valine amino acid residue is found in multiple mammalian species, suggesting that this missense change does not adversely affect protein function. These predictions have not been confirmed by published functional studies and their clinical significance is uncertain. In summary, the available evidence is currently insufficient to determine the role of this variant in disease. Therefore, it has been classified as a Variant of Uncertain Significance.